The following is an entry in ClinVar:

ClinVar aggregate classification (germline): Uncertain significance. Review status: criteria provided, multiple submitters, no conflicts (2 of 4 stars). 7 submissions from 7 submitters: Uncertain significance (7). Last evaluated 2025-12-24.

Conditions:
Cardiomyopathy (CMYO). Also called: Cardiomyopathies. Identifiers: Orphanet 167848, MedGen C0878544, MONDO:0004994, HP:0001638. Inheritance: Various modes of inheritance.
Arrhythmogenic right ventricular dysplasia 5. Also called: ARRHYTHMOGENIC RIGHT VENTRICULAR DYSPLASIA, FAMILIAL, 5; Arrhythmogenic Right Ventricular Dysplasia/Cardiomyopathy 5. Identifiers: MedGen C1858379, MONDO:0011459, OMIM 604400.
Cardiovascular phenotype. Identifiers: MedGen CN230736.
Auditory neuropathy, autosomal dominant 3 (AUNA3). Identifiers: MedGen C5676964, MONDO:0859235, OMIM 619832.
Emery-Dreifuss muscular dystrophy 7, autosomal dominant (EDMD7). Also called: Emery-Dreifuss muscular dystrophy 7, AD. Identifiers: Orphanet 261, MedGen C3553060, MONDO:0013677, OMIM 614302.

Allele frequency attached by ClinVar (database versions not stated): gnomAD exomes 0.00001; ExAC 0.00002; TOPMed 0.00005; ESP Exome Variant Server 0.00023.
gnomAD v4.1: 48 of 1,613,456 alleles (0.003%); highest among the groups gnomAD compares: Non-Finnish European, 0.0039%; no homozygotes.

Submissions (7):

Labcorp Genetics (formerly Invitae), Labcorp
Classification: Uncertain significance for Arrhythmogenic right ventricular dysplasia 5. Last evaluated: 2025-12-24. Review status: criteria provided, single submitter. Criteria: Invitae Variant Classification Sherloc (09022015). Collection method: clinical testing. Allele origin: germline.
Comment: This sequence change replaces proline, which is neutral and non-polar, with alanine, which is neutral and non-polar, at codon 82 of the TMEM43 protein (p.Pro82Ala). This variant is present in population databases (rs148171303, gnomAD 0.007%). This variant has not been reported in the literature in individuals affected with TMEM43-related conditions. ClinVar contains an entry for this variant (Variation ID: 202126). Invitae Evidence Modeling of protein sequence and biophysical properties (such as structural, functional, and spatial information, amino acid conservation, physicochemical variation, residue mobility, and thermodynamic stability) indicates that this missense variant is not expected to disrupt TMEM43 protein function with a negative predictive value of 80%. In summary, the available evidence is currently insufficient to determine the role of this variant in disease. Therefore, it has been classified as a Variant of Uncertain Significance.

Mayo Clinic Laboratories, Mayo Clinic
Classification: Uncertain significance. Last evaluated: 2025-07-10. Review status: criteria provided, single submitter. Criteria: ACMG Guidelines, 2015. Collection method: clinical testing. Allele origin: germline. Observed: 1 variant allele.
Comment: BP4_moderate

Ambry Genetics
Classification: Uncertain significance for Cardiovascular phenotype. Last evaluated: 2024-10-07. Review status: criteria provided, single submitter. Criteria: Ambry Variant Classification Scheme 2023. Collection method: clinical testing. Allele origin: germline.
Comment: The p.P82A variant (also known as c.244C>G), located in coding exon 3 of the TMEM43 gene, results from a C to G substitution at nucleotide position 244. The proline at codon 82 is replaced by alanine, an amino acid with highly similar properties. This amino acid position is well conserved in available vertebrate species. In addition, this alteration is predicted to be tolerated by in silico analysis. Since supporting evidence is limited at this time, the clinical significance of this alteration remains unclear.

All of Us Research Program, National Institutes of Health
Classification: Uncertain significance for Arrhythmogenic right ventricular dysplasia 5. Last evaluated: 2024-05-14. Review status: criteria provided, single submitter. Criteria: ACMG Guidelines, 2015. Collection method: clinical testing. Allele origin: germline. Inheritance: Autosomal dominant inheritance. Observed: 6 variant alleles, 6 heterozygotes.
Comment: This missense variant replaces proline with alanine at codon 82 of the TMEM43 protein. Computational prediction suggests that this variant may not impact protein structure and function (internally defined REVEL score threshold <= 0.5, PMID: 27666373). Splice site prediction tools suggest that this variant may not impact RNA splicing. To our knowledge, functional studies have not been performed for this variant. This variant has not been reported in individuals affected with cardiovascular disorders in the literature. This variant has been identified in 3/250914 chromosomes in the general population by the Genome Aggregation Database (gnomAD). The available evidence is insufficient to determine the role of this variant in disease conclusively. Therefore, this variant is classified as a Variant of Uncertain Significance.

This study involves interpretation of variants in research participants for the purpose of population health screening. Participant phenotype was not available at the time of variant classification. Additional details can be found in publication PMID: 35346344, PMCID: PMC8962531

Color Diagnostics, LLC DBA Color Health
Classification: Uncertain significance for Cardiomyopathy. Last evaluated: 2024-03-06. Review status: criteria provided, single submitter. Criteria: ACMG Guidelines, 2015. Collection method: clinical testing. Allele origin: germline.
Comment: This missense variant replaces proline with alanine at codon 82 of the TMEM43 protein. Computational prediction suggests that this variant may not impact protein structure and function (internally defined REVEL score threshold <= 0.5, PMID: 27666373). To our knowledge, functional studies have not been reported for this variant. This variant has not been reported in individuals affected with TMEM43-related disorders in the literature. This variant has been identified in 3/250914 chromosomes in the general population by the Genome Aggregation Database (gnomAD). The available evidence is insufficient to determine the role of this variant in disease conclusively. Therefore, this variant is classified as a Variant of Uncertain Significance.

Fulgent Genetics
Classification: Uncertain significance for Arrhythmogenic right ventricular dysplasia 5; Emery-Dreifuss muscular dystrophy 7, autosomal dominant; Auditory neuropathy, autosomal dominant 3. Last evaluated: 2021-12-09. Review status: criteria provided, single submitter. Criteria: ACMG Guidelines, 2015. Collection method: clinical testing. Allele origin: unknown.

GeneDx
Classification: Uncertain significance. Last evaluated: 2014-06-06. Review status: criteria provided, single submitter. Criteria: GeneDx Variant Classification (06012015). Collection method: clinical testing. Allele origin: germline. Affected: yes.
Comment: p.Pro82Ala (CCG>GCG): c.244 C>G in exon 3 of the TMEM43 gene (NM_024334.2). A variant of unknown significance has been identified in the TMEM43 gene. The P82A variant has not been published as a mutation, nor has it been reported as a benign polymorphism to our knowledge. The P82A variant is a conservative amino acid substitution, which is not likely to impact secondary protein structure as these residues share similar properties. This substitution occurs at a position that is not well conserved across species. Consequently, in silico analysis predicts this variant likely does not alter the protein structure/function. No missense mutations in nearby residues have been reported in association with ARVC, suggesting this region of the protein may be tolerant of change. Nevertheless, the P82A variant was not observed with any significant frequency in approximately 6,500 individuals of European and African American ancestry in the NHLBI Exome Sequencing Project, indicating it is not a common benign variant in these populations. Therefore, based on the currently available information, it is unclear whether this variant is a pathogenic mutation or a rare benign variant. The variant is found in ARRHYTHMIA panel(s).

NM_024334.3(TMEM43):c.244C>G (p.Pro82Ala)

Gene: TMEM43 (transmembrane protein 43; plus strand). Cytogenetic location: 3p25.1.
Variant type: single nucleotide variant.
Coding change: c.244C>G on transcript NM_024334.3 (MANE Select); coding-DNA position 244, C replaced by G.
Protein change: p.Pro82Ala; replaces proline 82 with alanine.
Molecular consequence: missense variant.
Genome position (GRCh38, 1-based): chr3:14,130,903, C>G. VCF-style: chr3-14130903-C-G. GRCh37 (hg19) VCF-style: chr3-14172403-C-G.
Other names: p.P82A:CCG>GCG; p.Pro82Ala; short protein forms P82A.
Identifiers: ClinVar variation 202126 (VCV000202126.25), dbSNP rs148171303, ClinGen allele CA024635.